The following is an entry in ClinVar:

ClinVar aggregate classification (germline): Uncertain significance (1 of 4 stars; one submission).

Conditions:
Fanconi anemia (FA). Also called: Fanconi's anemia. Identifiers: Orphanet 84, MedGen C0015625, MeSH D005199, MONDO:0019391.

Allele frequency attached by ClinVar (database versions not stated): TOPMed below 0.00001.
gnomAD v4.1: 3 of 1,614,108 alleles (0.00019%); highest among the groups gnomAD compares: African/African-American, 0.0013%; no homozygotes.

Submission:

Labcorp Genetics (formerly Invitae), Labcorp
Classification: Uncertain significance for Fanconi anemia. Last evaluated: 2025-07-21. Review status: criteria provided, single submitter. Criteria: Invitae Variant Classification Sherloc (09022015). Collection method: clinical testing. Allele origin: germline.
Comment: This sequence change replaces glutamine, which is neutral and polar, with arginine, which is basic and polar, at codon 1096 of the FANCA protein (p.Gln1096Arg). This variant is not present in population databases (gnomAD no frequency). This variant has not been reported in the literature in individuals affected with FANCA-related conditions. ClinVar contains an entry for this variant (Variation ID: 972003). Invitae Evidence Modeling of protein sequence and biophysical properties (such as structural, functional, and spatial information, amino acid conservation, physicochemical variation, residue mobility, and thermodynamic stability) indicates that this missense variant is not expected to disrupt FANCA protein function with a negative predictive value of 95%. In summary, the available evidence is currently insufficient to determine the role of this variant in disease. Therefore, it has been classified as a Variant of Uncertain Significance.

NM_000135.4(FANCA):c.3287A>G (p.Gln1096Arg)

Gene: FANCA (FA complementation group A; minus strand). Cytogenetic location: 16q24.3.
Variant type: single nucleotide variant.
Coding change: c.3287A>G on transcript NM_000135.4 (MANE Select); coding-DNA position 3287, A replaced by G.
Protein change: p.Gln1096Arg; replaces glutamine 1096 with arginine.
Molecular consequence: missense variant.
Genome position (GRCh38, 1-based): chr16:89,748,720, T>C on the plus strand (A>G on the coding strand, the complement: FANCA is on the minus strand). VCF-style: chr16-89748720-T-C. GRCh37 (hg19) VCF-style: chr16-89815128-T-C.
Other names: c.3287A>G, p.Gln1096Arg (NM_001286167.3); short protein forms Q1096R.
Identifiers: ClinVar variation 972003 (VCV000972003.8), dbSNP rs1598074664, ClinGen allele CA397486313.